The following is an entry in ClinVar:

ClinVar aggregate classification (germline): Likely benign. Review status: criteria provided, multiple submitters, no conflicts (2 of 4 stars). 2 submissions from 2 submitters: Likely benign (2). Last evaluated 2024-12-04.

Conditions:
ITGA2-related disorder. Also called: ITGA2-related condition.

gnomAD v4.1: 48 of 1,609,388 alleles (0.003%); highest among the groups gnomAD compares: Non-Finnish European, 0.0037%; no homozygotes.

Submissions (2):

PreventionGenetics, part of Exact Sciences
Classification: Likely benign for ITGA2-related condition. Last evaluated: 2024-12-04. Review status: criteria provided, single submitter. Criteria: ACMG Guidelines, 2015. Collection method: clinical testing. Allele origin: germline.
Comment: This variant is classified as likely benign based on ACMG/AMP sequence variant interpretation guidelines (Richards et al. 2015 PMID: 25741868, with internal and published modifications).

Blueprint Genetics
Classification: Likely benign. Last evaluated: 2022-07-15. Review status: criteria provided, single submitter. Criteria: ACMG Guidelines, 2015. Collection method: clinical testing. Allele origin: germline.

NM_002203.4(ITGA2):c.2741+8A>G

Gene: ITGA2 (integrin subunit alpha 2; plus strand). Cytogenetic location: 5q11.2.
Variant type: single nucleotide variant.
Coding change: c.2741+8A>G on transcript NM_002203.4 (MANE Select); 8 bases into the intron after coding-DNA position 2741, A replaced by G.
Molecular consequence: intron variant.
Genome position (GRCh38, 1-based): chr5:53,075,145, A>G. VCF-style: chr5-53075145-A-G. GRCh37 (hg19) VCF-style: chr5-52370975-A-G.
Other names: c.2741+8A>G (NM_002203.3).
Identifiers: ClinVar variation 4970355 (VCV004970355.2).